The following is an entry in ClinVar:

NM_004826.4(ECEL1):c.1656G>A (p.Lys552=)

Gene: ECEL1 (endothelin converting enzyme like 1; minus strand). Cytogenetic location: 2q37.1.
Variant type: single nucleotide variant.
Coding change: c.1656G>A on transcript NM_004826.4 (MANE Select); coding-DNA position 1656, G replaced by A.
Protein change: p.Lys552=; no amino-acid change (lysine 552 retained).
Molecular consequence: synonymous variant.
Genome position (GRCh38, 1-based): chr2:232,482,880, C>T on the plus strand (G>A on the coding strand, the complement: ECEL1 is on the minus strand). VCF-style: chr2-232482880-C-T. GRCh37 (hg19) VCF-style: chr2-233347590-C-T.
Other names: c.1656G>A, p.Lys552= (NM_001290787.2).
Identifiers: ClinVar variation 210908 (VCV000210908.42), dbSNP rs1190429, ClinGen allele CA207731.
Genomic context (GRCh38, chr2:232,482,880, plus strand): 5'-CCTGACCCCCAGCTCTGGGCCAGGCACCCACGTGGACTTGTCCACCTCCTGCCGAATCTT[C>T]TTAACTGAGAGCTGGATGCTGAAGCGGATGCTGTTCAAGATGTTCTTGAAGTAGGTCTTC-3'
Protein context (NP_004817.2, residues 542-562): SIRFSIQLSV[Lys552=]KIRQEVDKST

ClinVar aggregate classification (germline): Benign/Likely benign. Review status: criteria provided, multiple submitters, no conflicts (2 of 4 stars). 9 submissions from 9 submitters: Benign (2); Likely benign (4). 3 of the submissions do not count toward it. Last evaluated 2026-07-01.

Conditions:
ECEL1-related disorder. Also called: ECEL1-related condition.

Allele frequency attached by ClinVar (database versions not stated): ESP Exome Variant Server 0.00577; gnomAD exomes 0.00608 and 0.00357; 1000 Genomes Project 30x 0.00219; 1000 Genomes Project 0.00240; ExAC 0.00319; gnomAD 0.00440 and 0.00451; TOPMed 0.00490.

Submissions (9):

CeGaT Center for Human Genetics Tuebingen
Classification: Likely benign. Last evaluated: 2026-07-01. Review status: criteria provided, single submitter. Criteria: CeGaT Center For Human Genetics Tuebingen Variant Classification Criteria Version 2. Collection method: clinical testing. Allele origin: germline. Affected: yes. Observed: 2 variant alleles.
Comment: ECEL1: BP4, BS2

Blueprint Genetics
Classification: Likely benign. Last evaluated: 2024-11-26. Review status: criteria provided, single submitter. Criteria: ACMG Guidelines, 2015. Collection method: clinical testing. Allele origin: germline.

GeneDx
Classification: Benign. Last evaluated: 2020-09-08. Review status: criteria provided, single submitter. Criteria: GeneDx Variant Classification Process June 2021. Collection method: clinical testing. Allele origin: germline. Affected: yes.

Labcorp Genetics (formerly Invitae), Labcorp
Classification: Benign. Last evaluated: 2019-12-31. Review status: criteria provided, single submitter. Criteria: Invitae Variant Classification Sherloc (09022015). Collection method: clinical testing. Allele origin: germline.

Genetic Services Laboratory, University of Chicago
Classification: Likely benign. Last evaluated: 2015-07-20. Review status: criteria provided, single submitter. Criteria: ACMG Guidelines, 2015. Collection method: clinical testing. Allele origin: germline.

Breakthrough Genomics
Classification: Likely benign. Review status: criteria provided, single submitter. Criteria: ACMG Guidelines, 2015. Collection method: not provided. Allele origin: germline. Inheritance: Autosomal recessive inheritance. Affected: yes.

PreventionGenetics, part of Exact Sciences
Classification: Benign for ECEL1-related condition. Last evaluated: 2023-02-14. Review status: no assertion criteria provided. Collection method: clinical testing. Allele origin: germline. Not counted in ClinVar's aggregate classification.
Comment: This variant is classified as benign based on ACMG/AMP sequence variant interpretation guidelines (Richards et al. 2015 PMID: 25741868, with internal and published modifications).

Clinical Genetics DNA and cytogenetics Diagnostics Lab, Erasmus MC, Erasmus Medical Center
Classification: Likely benign. Review status: no assertion criteria provided. Collection method: clinical testing. Allele origin: germline. Affected: yes. Study: VKGL Data-share Consensus. Not counted in ClinVar's aggregate classification.

Clinical Genetics, Academic Medical Center
Classification: Benign. Review status: no assertion criteria provided. Collection method: clinical testing. Allele origin: germline. Affected: yes. Study: VKGL Data-share Consensus. Not counted in ClinVar's aggregate classification.